The following is an entry in ClinVar:

NM_207346.3(TSEN54):c.153G>C (p.Gln51His)

Gene: TSEN54 (tRNA splicing endonuclease subunit 54; plus strand). Cytogenetic location: 17q25.1.
Variant type: single nucleotide variant.
Coding change: c.153G>C on transcript NM_207346.3 (MANE Select); coding-DNA position 153, G replaced by C.
Protein change: p.Gln51His; replaces glutamine 51 with histidine.
Molecular consequence: missense variant.
Genome position (GRCh38, 1-based): chr17:75,516,842, G>C. VCF-style: chr17-75516842-G-C. GRCh37 (hg19) VCF-style: chr17-73512923-G-C.
Other names: short protein forms Q51H.
Identifiers: ClinVar variation 1347261 (VCV001347261.3), dbSNP rs755967065, ClinGen allele CA8763981.
Genomic context (GRCh38, chr17:75,516,842, plus strand): 5'-GAAGCTGCCCCAGCGCTCGCATGGCCCCAAGGACTTTCTGCCCGACGGCTCGGCAGCTCA[G>C]GCCGAGCGGCTGCGCCGGTGCCGGGAAGAGCTCTGGCAGCTGCTGGCAGAGCAGCGCGTG-3'
Protein context (NP_997229.2, residues 41-61): KDFLPDGSAA[Gln51His]AERLRRCREE

ClinVar aggregate classification (germline): Uncertain significance (1 of 4 stars; one submission).

Allele frequency attached by ClinVar (database versions not stated): gnomAD exomes 0.00001 and 0.00004; TOPMed 0.00002; ExAC 0.00004.
gnomAD v4.1: 17 of 1,584,350 alleles (0.0011%); highest among the groups gnomAD compares: Middle Eastern, 0.067%; no homozygotes.

Submission:

Labcorp Genetics (formerly Invitae), Labcorp
Classification: Uncertain significance. Last evaluated: 2022-08-16. Review status: criteria provided, single submitter. Criteria: Invitae Variant Classification Sherloc (09022015). Collection method: clinical testing. Allele origin: germline.
Comment: This sequence change replaces glutamine, which is neutral and polar, with histidine, which is basic and polar, at codon 51 of the TSEN54 protein (p.Gln51His). This variant is present in population databases (rs755967065, gnomAD 0.007%), including at least one homozygous and/or hemizygous individual. This variant has not been reported in the literature in individuals affected with TSEN54-related conditions. ClinVar contains an entry for this variant (Variation ID: 1347261). Algorithms developed to predict the effect of missense changes on protein structure and function are either unavailable or do not agree on the potential impact of this missense change (SIFT: "Deleterious"; PolyPhen-2: "Possibly Damaging"; Align-GVGD: "Class C0"). In summary, the available evidence is currently insufficient to determine the role of this variant in disease. Therefore, it has been classified as a Variant of Uncertain Significance.